The following is an entry in ClinVar:

NM_017780.4(CHD7):c.2959C>G (p.Arg987Gly)

Gene: CHD7 (chromodomain helicase DNA binding protein 7; plus strand). Cytogenetic location: 8q12.2.
Variant type: single nucleotide variant.
Coding change: c.2959C>G on transcript NM_017780.4 (MANE Select); coding-DNA position 2959, C replaced by G.
Protein change: p.Arg987Gly; replaces arginine 987 with glycine.
Molecular consequence: missense variant. On other transcripts: intron variant (1).
Genome position (GRCh38, 1-based): chr8:60,822,504, C>G. VCF-style: chr8-60822504-C-G. GRCh37 (hg19) VCF-style: chr8-61735063-C-G.
Other names: c.1717-39725C>G (NM_001316690.1); short protein forms R987G.
Identifiers: ClinVar variation 4725973 (VCV004725973.1).
Genomic context (GRCh38, chr8:60,822,504, plus strand): 5'-GACAGCAGTGTGTCATATCCATACTCATTAAACTTTTGTACTTCATTTTCCTCCTAAAGG[C>G]GAAACTGCATTTTAGCAGATGAAATGGGTTTGGGAAAAACTATCCAGTCCATTACATTTC-3'
Protein context (NP_060250.2, residues 977-997): NWLLFNWYNM[Arg987Gly]NCILADEMGL

ClinVar aggregate classification (germline): Uncertain significance (1 of 4 stars; one submission).

Conditions:
CHARGE syndrome (CHARGE). Also called: Hittner Hirsch Kreh syndrome; CHARGE ASSOCIATION--COLOBOMA, HEART ANOMALY, CHOANAL ATRESIA, RETARDATION, GENITAL AND EAR ANOMALIES; Coloboma, heart anomaly, choanal atresia, retardation, genital and ear anomalies; CHARGE association; Hall-Hittner syndrome. Identifiers: Orphanet 138, MedGen C0265354, MONDO:0008965.

Submission:

Labcorp Genetics (formerly Invitae), Labcorp
Classification: Uncertain significance for CHARGE syndrome. Last evaluated: 2025-08-24. Review status: criteria provided, single submitter. Criteria: Invitae Variant Classification Sherloc (09022015). Collection method: clinical testing. Allele origin: germline.
Comment: This sequence change replaces arginine, which is basic and polar, with glycine, which is neutral and non-polar, at codon 987 of the CHD7 protein (p.Arg987Gly). This variant is not present in population databases (gnomAD no frequency). This variant has not been reported in the literature in individuals affected with CHD7-related conditions. An algorithm developed to predict the effect of missense changes on protein structure and function (PolyPhen-2) suggests that this variant is likely to be disruptive. Algorithms developed to predict the effect of sequence changes on RNA splicing suggest that this variant may disrupt the consensus splice site. In summary, the available evidence is currently insufficient to determine the role of this variant in disease. Therefore, it has been classified as a Variant of Uncertain Significance.